The following is an entry in ClinVar:

NM_000092.5(COL4A4):c.3631G>A (p.Glu1211Lys)

Gene: COL4A4 (collagen type IV alpha 4 chain; minus strand). Cytogenetic location: 2q36.3.
Variant type: single nucleotide variant.
Coding change: c.3631G>A on transcript NM_000092.5 (MANE Select); coding-DNA position 3631, G replaced by A.
Protein change: p.Glu1211Lys; replaces glutamic acid 1211 with lysine.
Molecular consequence: missense variant.
Genome position (GRCh38, 1-based): chr2:227,032,223, C>T on the plus strand (G>A on the coding strand, the complement: COL4A4 is on the minus strand). VCF-style: chr2-227032223-C-T. GRCh37 (hg19) VCF-style: chr2-227896939-C-T.
Other names: short protein forms E1211K.
Identifiers: ClinVar variation 2578286 (VCV002578286.4), dbSNP rs750501128, ClinGen allele CA2144468.

ClinVar aggregate classification (germline): Uncertain significance. Review status: criteria provided, multiple submitters, no conflicts (2 of 4 stars). 3 submissions from 3 submitters: Uncertain significance (3). Last evaluated 2026-04-07.

Conditions:
COL4A4-related disorder.
Autosomal recessive Alport syndrome (ATS2). Also called: Alport syndrome type 2; COL4A4 Alport Syndrome and Thin Basement Membrane Nephropathy; COL4A3-Related Nephropathy; ALPORT SYNDROME 2, AUTOSOMAL RECESSIVE. Identifiers: Orphanet 63, Orphanet 88919, MedGen C4746745, MONDO:0008762, OMIM 203780.
Hematuria, benign familial, 1 (BFH1). Also called: THIN MEMBRANE NEPHROPATHY. Identifiers: MedGen CN376803, MONDO:0007709, OMIM 141200.

Allele frequency attached by ClinVar (database versions not stated): ExAC 0.00001; TOPMed 0.00003; gnomAD 0.00005; gnomAD exomes 0.00007.
gnomAD v4.1: 113 of 1,613,952 alleles (0.007%); highest among the groups gnomAD compares: Non-Finnish European, 0.0086%; no homozygotes.

Submissions (3):

PreventionGenetics, part of Exact Sciences
Classification: Uncertain significance for COL4A4-related condition. Last evaluated: 2026-04-07. Review status: criteria provided, single submitter. Criteria: ACMG Guidelines, 2015. Collection method: clinical testing. Allele origin: germline.
Comment: The COL4A4 c.3631G>A variant is predicted to result in the amino acid substitution p.Glu1211Lys. This variant was reported in an individual with keratoconus (Table S3, Lucas et al. 2018. PubMed ID: 29924831). This variant is reported in 0.0085% of alleles in individuals of Latino descent in gnomAD. At this time, the clinical significance of this variant is uncertain due to the absence of conclusive functional and genetic evidence.

GeneDx
Classification: Uncertain significance. Last evaluated: 2025-07-08. Review status: criteria provided, single submitter. Criteria: GeneDx Variant Classification Process June 2021. Collection method: clinical testing. Allele origin: germline. Affected: yes.
Comment: Reported in a patient with keratoconus in published literature (PMID: 29924831); In silico analysis supports that this missense variant has a deleterious effect on protein structure/function; Occurs in the triple helical domain at the X position in the canonical Gly-X-Y repeat; although this variant may have an effect on normal protein folding and function, missense substitution at the X position is not a common mechanism of disease; This variant is associated with the following publications: (PMID: 29924831)

Fulgent Genetics
Classification: Uncertain significance for Hematuria, benign familial, 1; Autosomal recessive Alport syndrome. Last evaluated: 2024-05-15. Review status: criteria provided, single submitter. Criteria: ACMG Guidelines, 2015. Collection method: clinical testing. Allele origin: germline.